The following is an entry in ClinVar:

NM_004523.4(KIF11):c.2197T>C (p.Phe733Leu)

Gene: KIF11 (kinesin family member 11; plus strand). Cytogenetic location: 10q23.33.
Variant type: single nucleotide variant.
Coding change: c.2197T>C on transcript NM_004523.4 (MANE Select); coding-DNA position 2197, T replaced by C.
Protein change: p.Phe733Leu; replaces phenylalanine 733 with leucine.
Molecular consequence: missense variant.
Genome position (GRCh38, 1-based): chr10:92,639,830, T>C. VCF-style: chr10-92639830-T-C. GRCh37 (hg19) VCF-style: chr10-94399587-T-C.
Other names: short protein forms F733L.
Identifiers: ClinVar variation 1498432 (VCV001498432.6), dbSNP rs2135920421, ClinGen allele CA377593649.

ClinVar aggregate classification (germline): Uncertain significance (1 of 4 stars; one submission).

Submission:

Labcorp Genetics (formerly Invitae), Labcorp
Classification: Uncertain significance. Last evaluated: 2022-08-23. Review status: criteria provided, single submitter. Criteria: Invitae Variant Classification Sherloc (09022015). Collection method: clinical testing. Allele origin: germline.
Comment: In summary, the available evidence is currently insufficient to determine the role of this variant in disease. Therefore, it has been classified as a Variant of Uncertain Significance. Algorithms developed to predict the effect of missense changes on protein structure and function (SIFT, PolyPhen-2, Align-GVGD) all suggest that this variant is likely to be tolerated. ClinVar contains an entry for this variant (Variation ID: 1498432). This variant has not been reported in the literature in individuals affected with KIF11-related conditions. This variant is not present in population databases (gnomAD no frequency). This sequence change replaces phenylalanine, which is neutral and non-polar, with leucine, which is neutral and non-polar, at codon 733 of the KIF11 protein (p.Phe733Leu).